The following is an entry in ClinVar:

NM_005219.5(DIAPH1):c.1130A>G (p.Lys377Arg)

Gene: DIAPH1 (diaphanous related formin 1; minus strand). Cytogenetic location: 5q31.3.
Variant type: single nucleotide variant.
Coding change: c.1130A>G on transcript NM_005219.5 (MANE Select); coding-DNA position 1130, A replaced by G.
Protein change: p.Lys377Arg; replaces lysine 377 with arginine.
Molecular consequence: missense variant.
Genome position (GRCh38, 1-based): chr5:141,578,258, T>C on the plus strand (A>G on the coding strand, the complement: DIAPH1 is on the minus strand). VCF-style: chr5-141578258-T-C. GRCh37 (hg19) VCF-style: chr5-140957825-T-C.
Other names: c.1103A>G, p.Lys368Arg (NM_001079812.3); c.1130A>G, p.Lys377Arg (NM_001314007.2); short protein forms K368R, K377R.
Identifiers: ClinVar variation 1924862 (VCV001924862.5), dbSNP rs2099896242, ClinGen allele CA361531109.
Genomic context (GRCh38, chr5:141,578,258, plus strand): 5'-CCTTGAACCTAGTCAGCAAAAGGATATTCCATCTCCATGCGAATGTCATCCAGCCGTCCC[T>C]TCAGGTCATAGGAATCCTCTTCCCCTTGTTCATCAAACACATTTAGTTGCACTCTCATAT-3'
Protein context (NP_005210.3, residues 367-387): EQGEEDSYDL[Lys377Arg]GRLDDIRMEM

ClinVar aggregate classification (germline): Uncertain significance (1 of 4 stars; one submission).

Conditions:
Progressive microcephaly-seizures-cortical blindness-developmental delay syndrome. Also called: Seizures, cortical blindness, and microcephaly syndrome. Identifiers: Orphanet 477814, MedGen C5567650, MONDO:0014714, OMIM 616632.
Autosomal dominant nonsyndromic hearing loss 1. Also called: KONIGSMARK SYNDROME; DEAFNESS, AUTOSOMAL DOMINANT 1, WITH OR WITHOUT THROMBOCYTOPENIA. Identifiers: Orphanet 90635, MedGen C1852282, MONDO:0007424, OMIM 124900.

Allele frequency attached by ClinVar (database versions not stated): gnomAD exomes below 0.00001; TOPMed below 0.00001; gnomAD 0.00001.
gnomAD v4.1: 2 of 1,613,982 alleles (0.00012%); highest among the groups gnomAD compares: African/African-American, 0.0027%; no homozygotes.

Submission:

Labcorp Genetics (formerly Invitae), Labcorp
Classification: Uncertain significance for Progressive microcephaly-seizures-cortical blindness-developmental delay syndrome; Autosomal dominant nonsyndromic hearing loss 1. Last evaluated: 2026-01-06. Review status: criteria provided, single submitter. Criteria: Invitae Variant Classification Sherloc (09022015). Collection method: clinical testing. Allele origin: germline.
Comment: This sequence change replaces lysine, which is basic and polar, with arginine, which is basic and polar, at codon 377 of the DIAPH1 protein (p.Lys377Arg). This variant is not present in population databases (gnomAD no frequency). This variant has not been reported in the literature in individuals affected with DIAPH1-related conditions. ClinVar contains an entry for this variant (Variation ID: 1924862). An algorithm developed to predict the effect of missense changes on protein structure and function outputs the following: PolyPhen-2: "Not Available". The arginine amino acid residue is found in multiple mammalian species, which suggests that this missense change does not adversely affect protein function. In summary, the available evidence is currently insufficient to determine the role of this variant in disease. Therefore, it has been classified as a Variant of Uncertain Significance.